The following is an entry in ClinVar:

NM_001297595.2(SIN3B):c.823C>T (p.Leu275Phe)

Gene: SIN3B (SIN3 transcription regulator family member B; plus strand). Cytogenetic location: 19p13.11.
Variant type: single nucleotide variant.
Coding change: c.823C>T on transcript NM_001297595.2 (MANE Select); coding-DNA position 823, C replaced by T.
Protein change: p.Leu275Phe; replaces leucine 275 with phenylalanine.
Molecular consequence: missense variant.
Genome position (GRCh38, 1-based): chr19:16,851,508, C>T. VCF-style: chr19-16851508-C-T. GRCh37 (hg19) VCF-style: chr19-16962319-C-T.
Other names: c.823C>T, p.Leu275Phe (NM_015260.4); short protein forms L275F.
Identifiers: ClinVar variation 2442439 (VCV002442439.1), dbSNP rs1347385300, ClinGen allele CA404638029.
Genomic context (GRCh38, chr19:16,851,508, plus strand): 5'-CAGAAGAACGAGCACGACAAGACCCCGGAGCACAGCAGGAAGCGCTCCCGGCCCTCGCTC[C>T]TCCGCCCCGTGTCTGCACCCGCCAAGGTACCTGTGAGCCACATGCAGCCATGCCTGCACG-3'
Protein context (NP_001284524.1, residues 265-285): HSRKRSRPSL[Leu275Phe]RPVSAPAKKK

ClinVar aggregate classification (germline): Uncertain significance (1 of 4 stars; one submission).

Allele frequency attached by ClinVar (database versions not stated): gnomAD exomes below 0.00001.
gnomAD v4.1: 1 of 1,606,346 alleles (0.000062%); highest among the groups gnomAD compares: Non-Finnish European, 0.000085%; no homozygotes.

Submission:

GeneDx
Classification: Uncertain significance. Last evaluated: 2022-09-02. Review status: criteria provided, single submitter. Criteria: GeneDx Variant Classification Process June 2021. Collection method: clinical testing. Allele origin: germline. Affected: yes.
Comment: In silico analysis supports that this missense variant does not alter protein structure/function; Has not been previously published as pathogenic or benign to our knowledge